The following is an entry in ClinVar:

NM_000465.4(BARD1):c.2057A>G (p.His686Arg)

Gene: BARD1 (BRCA1 associated RING domain 1; minus strand). Cytogenetic location: 2q35.
Variant type: single nucleotide variant.
Coding change: c.2057A>G on transcript NM_000465.4 (MANE Select); coding-DNA position 2057, A replaced by G.
Protein change: p.His686Arg; replaces histidine 686 with arginine.
Molecular consequence: missense variant. On other transcripts: non-coding transcript variant (3).
Genome position (GRCh38, 1-based): chr2:214,728,953, T>C on the plus strand (A>G on the coding strand, the complement: BARD1 is on the minus strand). VCF-style: chr2-214728953-T-C. GRCh37 (hg19) VCF-style: chr2-215593677-T-C.
Other names: c.2000A>G, p.His667Arg (NM_001282543.2); c.704A>G, p.His235Arg (NM_001282545.2); c.647A>G, p.His216Arg (NM_001282548.2); c.518A>G, p.His173Arg (NM_001282549.2); short protein forms H686R, H216R, H235R, H173R, H667R.
Identifiers: ClinVar variation 220100 (VCV000220100.25), dbSNP rs864622380, ClinGen allele CA348340.

ClinVar aggregate classification (germline): Conflicting classifications of pathogenicity. Review status: criteria provided, conflicting classifications (1 of 4 stars). 8 submissions from 8 submitters: Uncertain significance (7); Likely benign (1). Last evaluated 2025-08-13.

Conditions:
Hereditary cancer-predisposing syndrome. Also called: Tumor predisposition; Neoplastic Syndromes, Hereditary; Hereditary Cancer Syndrome; Hereditary neoplastic syndrome. Identifiers: Orphanet 140162, MedGen C0027672, MeSH D009386, MONDO:0015356.
Familial cancer of breast. Also called: hereditary breast carcinoma; Hereditary breast cancer; BREAST CANCER, FAMILIAL. Identifiers: Orphanet 227535, MedGen C0346153, MONDO:0016419, OMIM 114480. Disease mechanism: loss of function.

Allele frequency attached by ClinVar (database versions not stated): gnomAD 0.00001.
gnomAD v4.1: 1 of 1,614,066 alleles (0.000062%); highest among the groups gnomAD compares: Admixed American, 0.0017%; no homozygotes.

Submissions (8):

Labcorp Genetics (formerly Invitae), Labcorp
Classification: Uncertain significance for Familial cancer of breast. Last evaluated: 2025-08-13. Review status: criteria provided, single submitter. Criteria: Invitae Variant Classification Sherloc (09022015). Collection method: clinical testing. Allele origin: germline.
Comment: This sequence change replaces histidine, which is basic and polar, with arginine, which is basic and polar, at codon 686 of the BARD1 protein (p.His686Arg). This variant is not present in population databases (gnomAD no frequency). This variant has not been reported in the literature in individuals affected with BARD1-related conditions. ClinVar contains an entry for this variant (Variation ID: 220100). An algorithm developed to predict the effect of missense changes on protein structure and function (PolyPhen-2) suggests that this variant is likely to be disruptive. In summary, the available evidence is currently insufficient to determine the role of this variant in disease. Therefore, it has been classified as a Variant of Uncertain Significance.

Ambry Genetics
Classification: Likely benign for Hereditary cancer-predisposing syndrome. Last evaluated: 2024-02-22. Review status: criteria provided, single submitter. Criteria: Ambry Variant Classification Scheme 2023. Collection method: clinical testing. Allele origin: germline.

Blueprint Genetics
Classification: Uncertain significance. Last evaluated: 2023-08-25. Review status: criteria provided, single submitter. Criteria: ACMG Guidelines, 2015. Collection method: clinical testing. Allele origin: germline.

Color Diagnostics, LLC DBA Color Health
Classification: Uncertain significance for Hereditary cancer-predisposing syndrome. Last evaluated: 2023-01-23. Review status: criteria provided, single submitter. Criteria: ACMG Guidelines, 2015. Collection method: clinical testing. Allele origin: germline.
Comment: This missense variant replaces histidine with arginine at codon 686 of the BARD1 protein. Computational prediction suggests that this variant may not impact protein structure and function (internally defined REVEL score threshold <= 0.5, PMID: 27666373). To our knowledge, functional studies have not been reported for this variant. In a large breast cancer case-control study, this variant has been reported in 1/60466 cases and 0/53461 unaffected controls (PMID: 33471991). This variant has not been identified in the general population by the Genome Aggregation Database (gnomAD). The available evidence is insufficient to determine the role of this variant in disease conclusively. Therefore, this variant is classified as a Variant of Uncertain Significance.

Institute of Human Genetics, University of Leipzig Medical Center
Classification: Uncertain significance for Familial cancer of breast. Last evaluated: 2020-01-08. Review status: criteria provided, single submitter. Criteria: ACMG Guidelines, 2015. Collection method: clinical testing. Allele origin: germline. Affected: yes. Observed: 1 variant allele.

Department of Pathology and Laboratory Medicine, Sinai Health System
Classification: Uncertain significance for Familial cancer of breast. Last evaluated: 2019-11-22. Review status: criteria provided, single submitter. Criteria: ACMG Guidelines, 2015. Collection method: clinical testing. Allele origin: germline. Affected: yes.

Mendelics
Classification: Uncertain significance for Familial cancer of breast. Last evaluated: 2019-05-28. Review status: criteria provided, single submitter. Criteria: Mendelics Assertion Criteria 2017. Collection method: clinical testing. Allele origin: unknown.

GeneDx
Classification: Uncertain significance. Last evaluated: 2016-09-01. Review status: criteria provided, single submitter. Criteria: GeneDx Variant Classification (06012015). Collection method: clinical testing. Allele origin: germline. Affected: yes.
Comment: This variant is denoted BARD1 c.2057A>G at the cDNA level, p.His686Arg (H686R) at the protein level, and results in the change of a Histidine to an Arginine (CAT>CGT). This variant has not, to our knowledge, been published in the literature as pathogenic or benign. BARD1 His686Arg was not observed in approximately 6,500 individuals of European and African American ancestry in the NHLBI Exome Sequencing Project, suggesting it is not a common benign variant in these populations. Since Histidine and Arginine share similar properties, this is considered a conservative amino acid substitution. BARD1 His686Arg occurs at a position that is not conserved and is located in the BRCT 2 domain (UniProt). In silico analyses predict that this variant is probably damaging to protein structure and function. Based on currently available evidence, it is unclear whether BARD1 His686Arg is a pathogenic or benign variant. We consider it to be a variant of uncertain significance.

Literature cited by the submitters: PubMed 33471991 (cited by Ambry Genetics and Color Diagnostics, LLC DBA Color Health).